The following is an entry in ClinVar:

NM_014339.7(IL17RA):c.599-1G>A

Gene: IL17RA (interleukin 17 receptor A; plus strand). Cytogenetic location: 22q11.1.
Variant type: single nucleotide variant.
Coding change: c.599-1G>A on transcript NM_014339.7 (MANE Select); the canonical splice acceptor site of the intron before coding-DNA position 599, G replaced by A.
Molecular consequence: splice acceptor variant.
Genome position (GRCh38, 1-based): chr22:17,102,138, G>A. VCF-style: chr22-17102138-G-A. GRCh37 (hg19) VCF-style: chr22-17583028-G-A.
Other names: c.599-1G>A (NM_001289905.2).
Identifiers: ClinVar variation 3075957 (VCV003075957.1), dbSNP rs2517164324, ClinGen allele CA410212797.

ClinVar aggregate classification (germline): Likely pathogenic (1 of 4 stars; one submission).

Conditions:
Chronic mucocutaneous candidiasis. Also called: Recurrent mucocutaneous candidiasis. Identifiers: Orphanet 1334, MedGen C0006845, MONDO:0015279, HP:0002728.

Submission:

Laboratory for Molecular Medicine, Mass General Brigham Personalized Medicine
Classification: Likely pathogenic for Chronic mucocutaneous candidiasis. Last evaluated: 2023-09-12. Review status: criteria provided, single submitter. Criteria: ACMG Guidelines, 2015. Collection method: clinical testing. Allele origin: germline. Inheritance: Autosomal recessive inheritance.
Comment: The c.599-1G>A variant in IL17RA has not been previously reported in individuals with IL17RA-associated diseases nor in large population studies. This variant occurs within the canonical splice site (+/- 1,2) and is predicted to cause altered splicing leading to an abnormal or absent protein. Biallelic loss of function variants in IL17RA have been observed in the homozygous state in consanguineous families with chronic mucocutaneous candidiasis (Puel 2011 PMID: 21350122, Levy 2016 PMID: 27930337) and IL17RA knock out mouse models have shown a decreased resistance to bacterial and fungal infections, recapitulating the human phenotype (Tan 2006 PMID: 16670328, Preibe 2008 PMID: 18802100, Kudva 2011 PMID: 21178015) and providing evidence that loss of function of this gene can cause disease. In summary, although additional studies are required to fully establish its clinical significance, this variant meets criteria to be classified as likely pathogenic for autosomal recessive chronic mucocutaneous candidiasis. ACMG/AMP Criteria applied: PVS1, PM2_Supporting.

Literature cited by the submitters: PubMed 27930337; PubMed 21178015; PubMed 18802100; PubMed 21350122; PubMed 16670328.